The following is an entry in ClinVar:

ClinVar aggregate classification (germline): Uncertain significance (1 of 4 stars; one submission).

gnomAD v4.1: 1 of 1,614,184 alleles (0.000062%); highest among the groups gnomAD compares: Non-Finnish European, 0.000085%; no homozygotes.

Submission:

Labcorp Genetics (formerly Invitae), Labcorp
Classification: Uncertain significance. Last evaluated: 2025-07-29. Review status: criteria provided, single submitter. Criteria: Invitae Variant Classification Sherloc (09022015). Collection method: clinical testing. Allele origin: germline.
Comment: This sequence change replaces methionine, which is neutral and non-polar, with valine, which is neutral and non-polar, at codon 756 of the EFL1 protein (p.Met756Val). This variant is not present in population databases (gnomAD no frequency). This variant has not been reported in the literature in individuals affected with EFL1-related conditions. Invitae Evidence Modeling of protein sequence and biophysical properties (such as structural, functional, and spatial information, amino acid conservation, physicochemical variation, residue mobility, and thermodynamic stability) indicates that this missense variant is not expected to disrupt EFL1 protein function with a negative predictive value of 80%. In summary, the available evidence is currently insufficient to determine the role of this variant in disease. Therefore, it has been classified as a Variant of Uncertain Significance.

NM_024580.6(EFL1):c.2266A>G (p.Met756Val)

Gene: EFL1 (elongation factor like GTPase 1; minus strand). Cytogenetic location: 15q25.2.
Variant type: single nucleotide variant.
Coding change: c.2266A>G on transcript NM_024580.6 (MANE Select); coding-DNA position 2266, A replaced by G.
Protein change: p.Met756Val; replaces methionine 756 with valine.
Molecular consequence: missense variant. On other transcripts: non-coding transcript variant (1).
Genome position (GRCh38, 1-based): chr15:82,152,188, T>C on the plus strand (A>G on the coding strand, the complement: EFL1 is on the minus strand). VCF-style: chr15-82152188-T-C. GRCh37 (hg19) VCF-style: chr15-82444529-T-C.
Other names: c.2113A>G, p.Met705Val (NM_001040610.3); c.1477A>G, p.Met493Val (NM_001322844.2); c.2266A>G, p.Met756Val (NM_001322845.2); short protein forms M705V, M756V, M493V.
Identifiers: ClinVar variation 4777946 (VCV004777946.1).